The following is an entry in ClinVar:

NM_004744.5(LRAT):c.550A>T (p.Thr184Ser)

Gene: LRAT (lecithin retinol acyltransferase; plus strand). Cytogenetic location: 4q32.1.
Variant type: single nucleotide variant.
Coding change: c.550A>T on transcript NM_004744.5 (MANE Select); coding-DNA position 550, A replaced by T.
Protein change: p.Thr184Ser; replaces threonine 184 with serine.
Molecular consequence: missense variant.
Genome position (GRCh38, 1-based): chr4:154,748,993, A>T. VCF-style: chr4-154748993-A-T. GRCh37 (hg19) VCF-style: chr4-155670145-A-T.
Other names: c.550A>T, p.Thr184Ser (NM_001301645.2); short protein forms T184S.
Identifiers: ClinVar variation 1481113 (VCV001481113.5), dbSNP rs892032992, ClinGen allele CA108930609.

ClinVar aggregate classification (germline): Uncertain significance (1 of 4 stars; one submission).

Allele frequency attached by ClinVar (database versions not stated): gnomAD exomes below 0.00001; gnomAD 0.00001.

Submission:

Labcorp Genetics (formerly Invitae), Labcorp
Classification: Uncertain significance. Last evaluated: 2022-09-06. Review status: criteria provided, single submitter. Criteria: Invitae Variant Classification Sherloc (09022015). Collection method: clinical testing. Allele origin: germline.
Comment: This sequence change replaces threonine, which is neutral and polar, with serine, which is neutral and polar, at codon 184 of the LRAT protein (p.Thr184Ser). This variant is present in population databases (no rsID available, gnomAD 0.006%). This variant has not been reported in the literature in individuals affected with LRAT-related conditions. ClinVar contains an entry for this variant (Variation ID: 1481113). Algorithms developed to predict the effect of missense changes on protein structure and function (SIFT, PolyPhen-2, Align-GVGD) all suggest that this variant is likely to be tolerated. In summary, the available evidence is currently insufficient to determine the role of this variant in disease. Therefore, it has been classified as a Variant of Uncertain Significance.